The following is an entry in ClinVar:

NM_052859.4(RFT1):c.1135G>A (p.Val379Ile)

Gene: RFT1 (RFT1 glycolipid translocator homolog; minus strand). Cytogenetic location: 3p21.1.
Variant type: single nucleotide variant.
Coding change: c.1135G>A on transcript NM_052859.4 (MANE Select); coding-DNA position 1135, G replaced by A.
Protein change: p.Val379Ile; replaces valine 379 with isoleucine.
Molecular consequence: missense variant.
Genome position (GRCh38, 1-based): chr3:53,099,454, C>T on the plus strand (G>A on the coding strand, the complement: RFT1 is on the minus strand). VCF-style: chr3-53099454-C-T. GRCh37 (hg19) VCF-style: chr3-53133470-C-T.
Other names: c.1135G>A (NM_052859.3); short protein forms V379I.
Identifiers: ClinVar variation 1488731 (VCV001488731.7), dbSNP rs1364345554, ClinGen allele CA353228092.
Genomic context (GRCh38, chr3:53,099,454, plus strand): 5'-CTTTGCTCATGGCAGCAAATGTGAAACACTCTGTCACTCCATTGATGGCAAGCAGGAGAA[C>T]ATAGAGACAGTAGGAACGCAGCAAAACAGGACCTACAAGGAAACAACTCACTGAGACTCC-3'
Protein context (NP_443091.1, residues 369-389): PVLLRSYCLY[Val379Ile]LLLAINGVTE

ClinVar aggregate classification (germline): Uncertain significance. Review status: criteria provided, multiple submitters, no conflicts (2 of 4 stars). 2 submissions from 2 submitters: Uncertain significance (2). Last evaluated 2025-09-10.

Conditions:
Inborn genetic diseases. Identifiers: MedGen C0950123, MeSH D030342.
RFT1-congenital disorder of glycosylation (CDG1N). Also called: CDG In; Congenital disorder of glycosylation type In; RFT1-CDG. Identifiers: Orphanet 244310, MedGen C2677590, MONDO:0012783, OMIM 612015.

Allele frequency attached by ClinVar (database versions not stated): gnomAD exomes below 0.00001 and 0.00001; TOPMed below 0.00001.
gnomAD v4.1: 10 of 1,614,012 alleles (0.00062%); highest among the groups gnomAD compares: Middle Eastern, 0.016%; no homozygotes.

Submissions (2):

Ambry Genetics
Classification: Uncertain significance for Inborn genetic diseases. Last evaluated: 2025-09-10. Review status: criteria provided, single submitter. Criteria: Ambry Variant Classification Scheme 2023. Collection method: clinical testing. Allele origin: germline.

Labcorp Genetics (formerly Invitae), Labcorp
Classification: Uncertain significance for RFT1-congenital disorder of glycosylation. Last evaluated: 2021-10-21. Review status: criteria provided, single submitter. Criteria: Invitae Variant Classification Sherloc (09022015). Collection method: clinical testing. Allele origin: germline.
Comment: In summary, the available evidence is currently insufficient to determine the role of this variant in disease. Therefore, it has been classified as a Variant of Uncertain Significance. Algorithms developed to predict the effect of missense changes on protein structure and function are either unavailable or do not agree on the potential impact of this missense change (SIFT: "Tolerated"; PolyPhen-2: "Probably Damaging"; Align-GVGD: "Class C0"). This variant has not been reported in the literature in individuals affected with RFT1-related conditions. This variant is not present in population databases (ExAC no frequency). This sequence change replaces valine with isoleucine at codon 379 of the RFT1 protein (p.Val379Ile). The valine residue is moderately conserved and there is a small physicochemical difference between valine and isoleucine.